The following is an entry in ClinVar:

NM_003640.5(ELP1):c.2009T>G (p.Phe670Cys)

Gene: ELP1 (elongator acetyltransferase complex subunit 1; minus strand). Cytogenetic location: 9q31.3.
Variant type: single nucleotide variant.
Coding change: c.2009T>G on transcript NM_003640.5 (MANE Select); coding-DNA position 2009, T replaced by G.
Protein change: p.Phe670Cys; replaces phenylalanine 670 with cysteine.
Molecular consequence: missense variant.
Genome position (GRCh38, 1-based): chr9:108,901,430, A>C on the plus strand (T>G on the coding strand, the complement: ELP1 is on the minus strand). VCF-style: chr9-108901430-A-C. GRCh37 (hg19) VCF-style: chr9-111663710-A-C.
Other names: c.1667T>G, p.Phe556Cys (NM_001318360.2); c.962T>G, p.Phe321Cys (NM_001330749.2); c.2009T>G (NM_003640.3, NM_003640.4); short protein forms F670C, F556C, F321C.
Identifiers: ClinVar variation 439825 (VCV000439825.18), dbSNP rs139479557, ClinGen allele CA5174817.

ClinVar aggregate classification (germline): Uncertain significance. Review status: criteria provided, multiple submitters, no conflicts (2 of 4 stars). 7 submissions from 7 submitters: Uncertain significance (6). 1 of the submissions does not count toward it. Last evaluated 2026-08-03.

Conditions:
Familial dysautonomia. Also called: FD; HSAN III. Identifiers: Orphanet 1764, MedGen C0013364, MONDO:0009131, OMIM 223900. Disease mechanism: loss of function.
Medulloblastoma (MDB). Also called: MEDULLOBLASTOMA PREDISPOSITION SYNDROME; Medulloblastoma, somatic. Identifiers: Orphanet 616, MedGen C0025149, MeSH D008527, MONDO:0007959, OMIM 155255, HP:0002885.
ELP1-related disorder. Also called: ELP1-related condition.

Allele frequency attached by ClinVar (database versions not stated): gnomAD 0.00002 and 0.00003; TOPMed 0.00004; ExAC 0.00005; gnomAD exomes 0.00005 and 0.00008; ESP Exome Variant Server 0.00008.
gnomAD v4.1: 116 of 1,608,376 alleles (0.0072%); highest among the groups gnomAD compares: Non-Finnish European, 0.0093%; no homozygotes.

Submissions (7):

PreventionGenetics, part of Exact Sciences
Classification: Uncertain significance for ELP1-related condition. Last evaluated: 2026-08-03. Review status: criteria provided, single submitter. Criteria: ACMG Guidelines, 2015. Collection method: clinical testing. Allele origin: germline.
Comment: The ELP1 c.2009T>G variant is predicted to result in the amino acid substitution p.Phe670Cys. To our knowledge, this variant has not been reported in the literature. This variant is reported in 0.0085% of alleles in individuals of European (non-Finnish) descent in gnomAD. At this time, the clinical significance of this variant is uncertain due to the absence of conclusive functional and genetic evidence.

Ambry Genetics
Classification: Uncertain significance. Last evaluated: 2025-06-18. Review status: criteria provided, single submitter. Criteria: Ambry Variant Classification Scheme 2023. Collection method: clinical testing. Allele origin: germline.

Labcorp Genetics (formerly Invitae), Labcorp
Classification: Uncertain significance. Last evaluated: 2024-12-20. Review status: criteria provided, single submitter. Criteria: Invitae Variant Classification Sherloc (09022015). Collection method: clinical testing. Allele origin: germline.
Comment: This sequence change replaces phenylalanine, which is neutral and non-polar, with cysteine, which is neutral and slightly polar, at codon 670 of the ELP1 protein (p.Phe670Cys). The frequency data for this variant in the population databases is considered unreliable, as metrics indicate poor data quality at this position in the gnomAD database. This variant has not been reported in the literature in individuals affected with ELP1-related conditions. ClinVar contains an entry for this variant (Variation ID: 439825). An algorithm developed to predict the effect of missense changes on protein structure and function (PolyPhen-2) suggests that this variant is likely to be disruptive. In summary, the available evidence is currently insufficient to determine the role of this variant in disease. Therefore, it has been classified as a Variant of Uncertain Significance.

Blueprint Genetics
Classification: Uncertain significance. Last evaluated: 2022-06-23. Review status: criteria provided, single submitter. Criteria: ACMG Guidelines, 2015. Collection method: clinical testing. Allele origin: germline.

Fulgent Genetics
Classification: Uncertain significance for Medulloblastoma; Familial dysautonomia. Last evaluated: 2021-12-29. Review status: criteria provided, single submitter. Criteria: ACMG Guidelines, 2015. Collection method: clinical testing. Allele origin: unknown.

ARUP Laboratories, Molecular Genetics and Genomics, ARUP Laboratories
Classification: Uncertain significance. Last evaluated: 2016-12-01. Review status: criteria provided, single submitter. Criteria: ARUP Molecular Germline Variant Investigation Process. Collection method: clinical testing. Allele origin: germline.

Natera, Inc.
Classification: Uncertain significance for Hereditary sensory and autonomic neuropathy type III. Last evaluated: 2020-01-24. Review status: no assertion criteria provided. Collection method: clinical testing. Allele origin: germline. Not counted in ClinVar's aggregate classification.